The following is an entry in ClinVar:

NM_012470.4(TNPO3):c.1521G>T (p.Met507Ile)

Gene: TNPO3 (transportin 3; minus strand). Cytogenetic location: 7q32.1.
Variant type: single nucleotide variant.
Coding change: c.1521G>T on transcript NM_012470.4 (MANE Select); coding-DNA position 1521, G replaced by T.
Protein change: p.Met507Ile; replaces methionine 507 with isoleucine.
Molecular consequence: missense variant. On other transcripts: non-coding transcript variant (18), intron variant (2).
Genome position (GRCh38, 1-based): chr7:128,986,898, C>A on the plus strand (G>T on the coding strand, the complement: TNPO3 is on the minus strand). VCF-style: chr7-128986898-C-A. GRCh37 (hg19) VCF-style: chr7-128626952-C-A.
Other names: c.1623G>T, p.Met541Ile (NM_001382216.1); c.1602G>T, p.Met534Ile (NM_001382217.1); c.1521G>T, p.Met507Ile (NM_001382218.1, NM_001382220.1); c.1413G>T, p.Met471Ile (NM_001382219.1); c.1377G>T, p.Met459Ile (NM_001382221.1); c.1374G>T, p.Met458Ile (NM_001382222.1); c.1499-2639G>T (NM_001382223.1, NM_001191028.3); short protein forms M507I, M458I, M459I, M471I, M534I, M541I.
Identifiers: ClinVar variation 533439 (VCV000533439.9), dbSNP rs1554437833, ClinGen allele CA369226636.

ClinVar aggregate classification (germline): Uncertain significance (1 of 4 stars; one submission).

Conditions:
Autosomal dominant limb-girdle muscular dystrophy type 1F (LGMDD2). Also called: Limb-girdle muscular dystrophy, type 1F; MUSCULAR DYSTROPHY, LIMB-GIRDLE, AUTOSOMAL DOMINANT 2. Identifiers: Orphanet 55595, MedGen C1842062, MONDO:0012034, OMIM 608423.

Submission:

Labcorp Genetics (formerly Invitae), Labcorp
Classification: Uncertain significance for Autosomal dominant limb-girdle muscular dystrophy type 1F. Last evaluated: 2022-06-20. Review status: criteria provided, single submitter. Criteria: Invitae Variant Classification Sherloc (09022015). Collection method: clinical testing. Allele origin: germline.
Comment: Algorithms developed to predict the effect of missense changes on protein structure and function (SIFT, PolyPhen-2, Align-GVGD) all suggest that this variant is likely to be tolerated. In summary, the available evidence is currently insufficient to determine the role of this variant in disease. Therefore, it has been classified as a Variant of Uncertain Significance. ClinVar contains an entry for this variant (Variation ID: 533439). This variant has not been reported in the literature in individuals affected with TNPO3-related conditions. This variant is not present in population databases (gnomAD no frequency). This sequence change replaces methionine, which is neutral and non-polar, with isoleucine, which is neutral and non-polar, at codon 507 of the TNPO3 protein (p.Met507Ile).